The following is an entry in ClinVar:

ClinVar aggregate classification (germline): Uncertain significance (1 of 4 stars; one submission).

Conditions:
Genitopatellar syndrome (GTPTS). Also called: Genitopatellar syndrome (GPS); ABSENT PATELLAE, SCROTAL HYPOPLASIA, RENAL ANOMALIES, FACIAL DYSMORPHISM, AND MENTAL RETARDATION. Identifiers: Orphanet 85201, MedGen C1853566, MONDO:0011640, OMIM 606170.
Blepharophimosis - intellectual disability syndrome, SBBYS type (SBBYSS). Also called: Say-Barber-Biesecker-Young-Simpson syndrome; Say-Barber-Biesecker variant of Ohdo syndrome (SBBYSS); Say-Barber-Biesecker-Young-Simpson variant of Ohdo Syndrome; Ohdo syndrome, SBBYS variant; Young Simpson syndrome; Mental retardation unusual facies hypothyroidism. Identifiers: Orphanet 3047, MedGen C1863557, MONDO:0011365, OMIM 603736.

gnomAD v4.1: 2 of 1,614,104 alleles (0.00012%); highest among the groups gnomAD compares: East Asian, 0.0045%; no homozygotes.

Submission:

Juno Genomics, Hangzhou Juno Genomics, Inc
Classification: Uncertain significance for Genitopatellar syndrome; Blepharophimosis - intellectual disability syndrome, SBBYS type. Review status: criteria provided, single submitter. Criteria: ACMG Guidelines, 2015. Collection method: clinical testing. Allele origin: germline.
Comment: Absent from controls (or at extremely low frequency if recessive) in Genome Aggregation Database.;Missense variant in a gene that has a low rate of benign missense variation.

NM_012330.4(KAT6B):c.5078G>A (p.Ser1693Asn)

Gene: KAT6B (lysine acetyltransferase 6B; plus strand). Cytogenetic location: 10q22.2.
Variant type: single nucleotide variant.
Coding change: c.5078G>A on transcript NM_012330.4 (MANE Select); coding-DNA position 5078, G replaced by A.
Protein change: p.Ser1693Asn; replaces serine 1693 with asparagine.
Molecular consequence: missense variant.
Genome position (GRCh38, 1-based): chr10:75,029,902, G>A. VCF-style: chr10-75029902-G-A. GRCh37 (hg19) VCF-style: chr10-76789660-G-A.
Other names: c.4529G>A, p.Ser1510Asn (NM_001256468.2, NM_001370138.1); c.4202G>A, p.Ser1401Asn (NM_001256469.2, NM_001370139.1, NM_001370140.1 and 2 more transcripts); c.4040G>A, p.Ser1347Asn (NM_001370132.1); c.3389G>A, p.Ser1130Asn (NM_001370133.1); c.2993G>A, p.Ser998Asn (NM_001370134.1); c.2735G>A, p.Ser912Asn (NM_001370135.1); c.5078G>A, p.Ser1693Asn (NM_001370136.1, NM_001370137.1); c.4013G>A, p.Ser1338Asn (NM_001370143.1, NM_001370144.1); short protein forms S1130N, S1338N, S1401N, S1347N, S1510N, S912N, S998N, S1693N.
Identifiers: ClinVar variation 5007741 (VCV005007741.2).